The following is an entry in ClinVar:

ClinVar aggregate classification (germline): Uncertain significance. Review status: criteria provided, multiple submitters, no conflicts (2 of 4 stars). 2 submissions from 2 submitters: Uncertain significance (2). Last evaluated 2024-03-31.

Allele frequency attached by ClinVar (database versions not stated): TOPMed below 0.00001; ExAC 0.00002; gnomAD exomes 0.00002.

Submissions (2):

Labcorp Genetics (formerly Invitae), Labcorp
Classification: Uncertain significance. Last evaluated: 2024-03-31. Review status: criteria provided, single submitter. Criteria: Invitae Variant Classification Sherloc (09022015). Collection method: clinical testing. Allele origin: germline.
Comment: This sequence change disrupts the translational stop signal of the SLC10A2 mRNA. It is expected to extend the length of the SLC10A2 protein by 17 additional amino acid residues. This variant is present in population databases (rs762771389, gnomAD 0.007%). This variant has not been reported in the literature in individuals affected with SLC10A2-related conditions. Experimental studies and prediction algorithms are not available or were not evaluated, and the functional significance of this variant is currently unknown. In summary, the available evidence is currently insufficient to determine the role of this variant in disease. Therefore, it has been classified as a Variant of Uncertain Significance.

Mayo Clinic Laboratories, Mayo Clinic
Classification: Uncertain significance. Last evaluated: 2024-03-28. Review status: criteria provided, single submitter. Criteria: ACMG Guidelines, 2015. Collection method: clinical testing. Allele origin: germline. Observed: 1 variant allele.
Comment: PM2

NM_000452.3(SLC10A2):c.1045T>C (p.Ter349Gln)

Gene: SLC10A2 (solute carrier family 10 member 2; minus strand). Cytogenetic location: 13q33.1.
Variant type: single nucleotide variant.
Coding change: c.1045T>C on transcript NM_000452.3 (MANE Select); coding-DNA position 1045, T replaced by C.
Protein change: p.Ter349Gln.
Molecular consequence: stop lost.
Genome position (GRCh38, 1-based): chr13:103,046,135, A>G on the plus strand (T>C on the coding strand, the complement: SLC10A2 is on the minus strand). VCF-style: chr13-103046135-A-G. GRCh37 (hg19) VCF-style: chr13-103698485-A-G.
Other names: p.*349Glne*t*17.
Identifiers: ClinVar variation 2870752 (VCV002870752.4), dbSNP rs762771389, ClinGen allele CA7041947.